The following is an entry in ClinVar:

ClinVar aggregate classification (germline): Uncertain significance. Review status: criteria provided, multiple submitters, no conflicts (2 of 4 stars). 2 submissions from 2 submitters: Uncertain significance (2). Last evaluated 2025-01-27.

Conditions:
Dilated cardiomyopathy 1G (CMD1G). Identifiers: Orphanet 154, MedGen C1858763, MONDO:0011400, OMIM 604145.
Autosomal recessive limb-girdle muscular dystrophy type 2J (LGMDR10). Also called: MUSCULAR DYSTROPHY, LIMB-GIRDLE, AUTOSOMAL RECESSIVE 10; Limb-girdle muscular dystrophy, type 2J. Identifiers: Orphanet 140922, MedGen C1837342, MONDO:0012127, OMIM 608807.

Submissions (2):

Labcorp Genetics (formerly Invitae), Labcorp
Classification: Uncertain significance for Dilated cardiomyopathy 1G; Autosomal recessive limb-girdle muscular dystrophy type 2J. Last evaluated: 2025-01-27. Review status: criteria provided, single submitter. Criteria: Invitae Variant Classification Sherloc (09022015). Collection method: clinical testing. Allele origin: germline.
Comment: This sequence change replaces alanine, which is neutral and non-polar, with threonine, which is neutral and polar, at codon 35102 of the TTN protein (p.Ala35102Thr). This variant is not present in population databases (gnomAD no frequency). This variant has not been reported in the literature in individuals affected with TTN-related conditions. ClinVar contains an entry for this variant (Variation ID: 203093). An algorithm developed to predict the effect of missense changes on protein structure and function outputs the following: PolyPhen-2: "Not Available". The threonine amino acid residue is found in multiple mammalian species, which suggests that this missense change does not adversely affect protein function. This variant is located in the M band of TTN (PMID: 25589632). Non-truncating variants in this region may be relevant for neuromuscular disorders, but have not been definitively shown to cause cardiomyopathy (PMID: 23975875). In summary, the available evidence is currently insufficient to determine the role of this variant in disease. Therefore, it has been classified as a Variant of Uncertain Significance.

GeneDx
Classification: Uncertain significance. Last evaluated: 2013-01-16. Review status: criteria provided, single submitter. Criteria: GeneDx Variant Classification (06012015). Collection method: clinical testing. Allele origin: germline. Affected: yes.
Comment: Missense variants in the TTN gene are considered 'unclassified' if they are not previously reported in the literature and do not have >1% frequency in the population to be considered a polymorphism. Research indicates that truncating mutations in the TTN gene are expected to account for approximately 25% of familial and 18% of sporadic idiopathic DCM; however, truncating variants in the TTN gene have been reported in approximately 3% of reported control alleles. There has been little investigation into non-truncating variants. (Herman D et al. Truncations of titin causing dilated cardiomyopathy. N Eng J Med 366:619-628, 2012) The variant is found in DCM panel(s).

Literature cited by the submitters: PubMed 25589632 (cited by Labcorp Genetics (formerly Invitae), Labcorp); PubMed 23975875 (cited by Labcorp Genetics (formerly Invitae), Labcorp).

NM_001267550.2(TTN):c.105304G>A (p.Ala35102Thr)

Genes: TTN (titin; minus strand), TTN-AS1 (TTN antisense RNA 1; plus strand). Cytogenetic location: 2q31.2.
Variant type: single nucleotide variant.
Coding change: c.105304G>A on transcript NM_001267550.2 (MANE Select); coding-DNA position 105304, G replaced by A.
Protein change: p.Ala35102Thr; replaces alanine 35102 with threonine.
Molecular consequence: missense variant.
Genome position (GRCh38, 1-based): chr2:178,531,311, C>T on the plus strand (G>A on the coding strand, the complement: TTN is on the minus strand). VCF-style: chr2-178531311-C-T. GRCh37 (hg19) VCF-style: chr2-179396038-C-T.
Other names: p.A33461T:GCA>ACA; c.100381G>A, p.Ala33461Thr (NM_001256850.1); c.78109G>A, p.Ala26037Thr (NM_003319.4); c.97600G>A, p.Ala32534Thr (NM_133378.4); c.78484G>A, p.Ala26162Thr (NM_133432.3); c.78685G>A, p.Ala26229Thr (NM_133437.4); short protein forms A33461T, A35102T, A26229T, A26037T, A26162T, A32534T.
Identifiers: ClinVar variation 203093 (VCV000203093.10), dbSNP rs794729568, ClinGen allele CA311217.